The following is an entry in ClinVar:

ClinVar aggregate classification (germline): Benign (0 of 4 stars; one submission).

Conditions:
HIVEP3-related disorder. Also called: HIVEP3-related condition.

Allele frequency attached by ClinVar (database versions not stated): ESP Exome Variant Server 0.04329; gnomAD 0.04400; TOPMed 0.04490; 1000 Genomes Project 0.04892; 1000 Genomes Project 30x 0.05075; ExAC 0.05601.
gnomAD v4.1: 88,706 of 1,598,764 alleles (5.5%); highest among the groups gnomAD compares: Middle Eastern, 11%; 2,923 homozygotes.

Submission:

PreventionGenetics, part of Exact Sciences
Classification: Benign for HIVEP3-related condition. Last evaluated: 2019-11-19. Review status: no assertion criteria provided. Collection method: clinical testing. Allele origin: germline.
Comment: This variant is classified as benign based on ACMG/AMP sequence variant interpretation guidelines (Richards et al. 2015 PMID: 25741868, with internal and published modifications).

NM_024503.5(HIVEP3):c.3261G>C (p.Gln1087His)

Gene: HIVEP3 (HIVEP zinc finger 3; minus strand). Cytogenetic location: 1p34.2.
Variant type: single nucleotide variant.
Coding change: c.3261G>C on transcript NM_024503.5 (MANE Select); coding-DNA position 3261, G replaced by C.
Protein change: p.Gln1087His; replaces glutamine 1087 with histidine.
Molecular consequence: missense variant.
Genome position (GRCh38, 1-based): chr1:41,581,537, C>G on the plus strand (G>C on the coding strand, the complement: HIVEP3 is on the minus strand). VCF-style: chr1-41581537-C-G. GRCh37 (hg19) VCF-style: chr1-42047208-C-G.
Other names: c.3261G>C, p.Gln1087His (NM_001127714.3); short protein forms Q1087H.
Identifiers: ClinVar variation 3055653 (VCV003055653.2), dbSNP rs17363472, ClinGen allele CA797888.